The following is an entry in ClinVar:

ClinVar aggregate classification (germline): Uncertain significance. Review status: criteria provided, multiple submitters, no conflicts (2 of 4 stars). 2 submissions from 2 submitters: Uncertain significance (2). Last evaluated 2021-05-19.

Conditions:
Cerebellar atrophy with seizures and variable developmental delay. Identifiers: MedGen C5193132, MONDO:0032788, OMIM 618501.
Early-infantile DEE. Also called: Ohtahara syndrome; Early infantile epileptic encephalopathy; Early infantile epileptic encephalopathy with suppression bursts. Identifiers: Orphanet 1934, MedGen C0393706, MONDO:0800491.

Allele frequency attached by ClinVar (database versions not stated): gnomAD exomes below 0.00001.
gnomAD v4.1: 1 of 1,613,016 alleles (0.000062%); highest among the groups gnomAD compares: Non-Finnish European, 0.000085%; no homozygotes.

Submissions (2):

Labcorp Genetics (formerly Invitae), Labcorp
Classification: Uncertain significance for Early-infantile DEE. Last evaluated: 2021-05-19. Review status: criteria provided, single submitter. Criteria: Invitae Variant Classification Sherloc (09022015). Collection method: clinical testing. Allele origin: germline.
Comment: In summary, the available evidence is currently insufficient to determine the role of this variant in disease. Therefore, it has been classified as a Variant of Uncertain Significance. Nucleotide substitutions within the consensus splice site are a relatively common cause of aberrant splicing (PMID: 17576681, 9536098). Algorithms developed to predict the effect of sequence changes on RNA splicing suggest that this variant may disrupt the consensus splice site, but this prediction has not been confirmed by published transcriptional studies. This variant has not been reported in the literature in individuals with CACNA2D2-related conditions. This variant is not present in population databases (ExAC no frequency). This sequence change falls in intron 21 of the CACNA2D2 gene. It does not directly change the encoded amino acid sequence of the CACNA2D2 protein, but it affects a nucleotide within the consensus splice site of the intron.

Baylor Genetics
Classification: Uncertain significance for Cerebellar atrophy with seizures and variable developmental delay. Last evaluated: 2020-06-03. Review status: criteria provided, single submitter. Criteria: ACMG Guidelines, 2015. Collection method: clinical testing. Allele origin: unknown. Affected: yes.
Comment: This variant was determined to be of uncertain significance according to ACMG Guidelines, 2015 [PMID:25741868].

Literature cited by the submitters: PubMed 17576681 (cited by Labcorp Genetics (formerly Invitae), Labcorp); PubMed 9536098 (cited by Labcorp Genetics (formerly Invitae), Labcorp).

NM_006030.4(CACNA2D2):c.1907+3A>C

Gene: CACNA2D2 (calcium voltage-gated channel auxiliary subunit alpha2delta 2; minus strand). Cytogenetic location: 3p21.31.
Variant type: single nucleotide variant.
Coding change: c.1907+3A>C on transcript NM_006030.4 (MANE Select); 3 bases into the intron after coding-DNA position 1907, A replaced by C.
Molecular consequence: intron variant.
Genome position (GRCh38, 1-based): chr3:50,375,641, T>G on the plus strand (A>C on the coding strand, the complement: CACNA2D2 is on the minus strand). VCF-style: chr3-50375641-T-G. GRCh37 (hg19) VCF-style: chr3-50413072-T-G.
Other names: c.1700+3A>C (NM_001291101.1); c.1907+3A>C (NM_001005505.3, NM_001174051.3).
Identifiers: ClinVar variation 1029001 (VCV001029001.7), dbSNP rs1263024687, ClinGen allele CA543054238.